The following is an entry in ClinVar:

NM_006073.4(TRDN):c.793G>T (p.Asp265Tyr)

Gene: TRDN (triadin; minus strand). Cytogenetic location: 6q22.31.
Variant type: single nucleotide variant.
Coding change: c.793G>T on transcript NM_006073.4 (MANE Select); coding-DNA position 793, G replaced by T.
Protein change: p.Asp265Tyr; replaces aspartic acid 265 with tyrosine.
Molecular consequence: missense variant. On other transcripts: nonsense (1).
Genome position (GRCh38, 1-based): chr6:123,503,719, C>A on the plus strand (G>T on the coding strand, the complement: TRDN is on the minus strand). VCF-style: chr6-123503719-C-A. GRCh37 (hg19) VCF-style: chr6-123824864-C-A.
Other names: c.793G>T, p.Asp265Tyr (NM_001251987.2); c.793G>T, p.Gly265Ter (NM_001256020.2); c.793G>T, p.Gly265Cys (NM_001256021.2); short protein forms D265Y, G265*, G265C.
Identifiers: ClinVar variation 519416 (VCV000519416.7), dbSNP rs1021886509, ClinGen allele CA147287302.

ClinVar aggregate classification (germline): Uncertain significance (1 of 4 stars; one submission).

Conditions:
Cardiovascular phenotype. Identifiers: MedGen CN230736.

Allele frequency attached by ClinVar (database versions not stated): gnomAD 0.00001; gnomAD exomes below 0.00001.
gnomAD v4.1: 3 of 1,613,474 alleles (0.00019%); highest among the groups gnomAD compares: Non-Finnish European, 0.00025%; no homozygotes.

Submission:

Ambry Genetics
Classification: Uncertain significance for Cardiovascular phenotype. Last evaluated: 2025-04-01. Review status: criteria provided, single submitter. Criteria: Ambry Variant Classification Scheme 2023. Collection method: clinical testing. Allele origin: germline.
Comment: The c.793G>T variant (also known as p.D265Y), located in coding exon 8 of the TRDN gene, results from a G to T substitution at nucleotide position 793. The amino acid change results in aspartic acid to tyrosine at codon 265, an amino acid with highly dissimilar properties. However, this change occurs in the last base pair of coding exon 8, which makes it likely to have some effect on normal mRNA splicing. This nucleotide position is highly conserved in available vertebrate species. This amino acid position is highly conserved in available vertebrate species. In silico splice site analysis predicts that this alteration will weaken the native splice donor site. In addition, as a missense substitution this is predicted to be inconclusive by in silico analysis. Since supporting evidence is limited at this time, the clinical significance of this alteration remains unclear.